The following is an entry in ClinVar:

ClinVar aggregate classification (germline): Uncertain significance (1 of 4 stars; one submission).

Conditions:
Ullrich congenital muscular dystrophy 1A. Also called: Intermediate COL6-RD; Ullrich congenital muscular dystrophy 1. Identifiers: Orphanet 75840, MedGen C0410179, MONDO:0009681, OMIM 254090.

Submission:

Baylor Genetics
Classification: Uncertain significance for Ullrich congenital muscular dystrophy 1A. Last evaluated: 2020-02-05. Review status: criteria provided, single submitter. Criteria: ACMG Guidelines, 2015. Collection method: clinical testing. Allele origin: unknown. Affected: yes.
Comment: This variant was determined to be of uncertain significance according to ACMG Guidelines, 2015 [PMID:25741868].

NM_001848.3(COL6A1):c.2024G>C (p.Ser675Thr)

Gene: COL6A1 (collagen type VI alpha 1 chain; plus strand). Cytogenetic location: 21q22.3.
Variant type: single nucleotide variant.
Coding change: c.2024G>C on transcript NM_001848.3 (MANE Select); coding-DNA position 2024, G replaced by C.
Protein change: p.Ser675Thr; replaces serine 675 with threonine.
Molecular consequence: missense variant.
Genome position (GRCh38, 1-based): chr21:46,002,028, G>C. VCF-style: chr21-46002028-G-C. GRCh37 (hg19) VCF-style: chr21-47421942-G-C.
Other names: short protein forms S675T.
Identifiers: ClinVar variation 1027969 (VCV001027969.1), dbSNP rs2077848878, ClinGen allele CA410535185.